The following is an entry in ClinVar:

NM_001377.3(DYNC2H1):c.223dup (p.Val75fs)

Gene: DYNC2H1 (dynein cytoplasmic 2 heavy chain 1; plus strand). Cytogenetic location: 11q22.3.
Variant type: Duplication.
Coding change: c.223dup on transcript NM_001377.3 (MANE Select); coding-DNA position 223, one base duplicated (G; older notation c.223dupG).
Protein change: p.Val75fs; shifts the reading frame from valine 75.
Molecular consequence: frameshift variant.
Genome position (GRCh38, 1-based): chr11:103,113,564, G duplicated. VCF-style (leftmost placement, unchanged base first): chr11-103113563-A-AG. GRCh37 (hg19) VCF-style: chr11-102984292-A-AG.
Other names: c.223dup, p.Val75fs (NM_001080463.2); short protein forms V75fs.
Identifiers: ClinVar variation 5014571 (VCV005014571.1).

ClinVar aggregate classification (germline): Pathogenic (1 of 4 stars; one submission).

Conditions:
Asphyxiating thoracic dystrophy 3. Also called: SHORT-RIB THORACIC DYSPLASIA 3 WITH OR WITHOUT POLYDACTYLY; POLYDACTYLY WITH NEONATAL CHONDRODYSTROPHY, TYPE I; SHORT-RIB THORACIC DYSPLASIA 3/6 WITH POLYDACTYLY, DIGENIC; Short rib polydactyly syndrome 2B; Saldino-Noonan Syndrome. Identifiers: Orphanet 474, Orphanet 93269, Orphanet 93270, Orphanet 93271, MedGen C0036069, MONDO:0013127, OMIM 613091.

Submission:

Myriad Genetics, Inc.
Classification: Pathogenic for Asphyxiating thoracic dystrophy 3. Last evaluated: 2025-06-09. Review status: criteria provided, single submitter. Criteria: Myriad Autosomal Dominant, Autosomal Recessive and X-Linked Classification Criteria (2023). Collection method: clinical testing. Allele origin: unknown.
Comment: NM_001377.2(DYNC2H1):c.223dupG(V75Gfs*10) is expected to be pathogenic in the context of DYNC2H1-related disorders. This variant is predicted to lead to an abnormal or absent protein product due to the creation of a premature termination codon in DYNC2H1, a gene where loss-of-function variants are known to be pathogenic. Please note: this variant was assessed in the context of healthy population screening.